The following is an entry in ClinVar:

NM_020822.3(KCNT1):c.2221G>A (p.Asp741Asn)

Gene: KCNT1 (potassium sodium-activated channel subfamily T member 1; plus strand). Cytogenetic location: 9q34.3.
Variant type: single nucleotide variant.
Coding change: c.2221G>A on transcript NM_020822.3 (MANE Select); coding-DNA position 2221, G replaced by A.
Protein change: p.Asp741Asn; replaces aspartic acid 741 with asparagine.
Molecular consequence: missense variant.
Genome position (GRCh38, 1-based): chr9:135,772,927, G>A. VCF-style: chr9-135772927-G-A. GRCh37 (hg19) VCF-style: chr9-138664773-G-A.
Other names: c.2086G>A, p.Asp696Asn (NM_001272003.2); short protein forms D741N, D696N.
Identifiers: ClinVar variation 540565 (VCV000540565.11), dbSNP rs375403065, ClinGen allele CA5327213.

ClinVar aggregate classification (germline): Conflicting classifications of pathogenicity. Review status: criteria provided, conflicting classifications (1 of 4 stars). 2 submissions from 2 submitters: Uncertain significance (1); Likely benign (1). Last evaluated 2026-02-01.

Conditions:
Developmental and epileptic encephalopathy, 14 (DEE14). Also called: Early infantile epileptic encephalopathy 14. Identifiers: Orphanet 293181, MedGen C3554195, MONDO:0013989, OMIM 614959.
Autosomal dominant nocturnal frontal lobe epilepsy 5. Also called: Epilepsy, nocturnal frontal lobe, 5; CILIARY DYSKINESIA, PRIMARY, 28, WITHOUT SITUS INVERSUS; CILIARY DYSKINESIA, PRIMARY, 28, WITH SITUS INVERSUS; KCNT1-Related Epilepsy. Identifiers: Orphanet 98784, MedGen C3554306, MONDO:0014002, OMIM 615005.

Allele frequency attached by ClinVar (database versions not stated): gnomAD exomes 0.00001; gnomAD 0.00003; TOPMed 0.00006; ExAC 0.00008; ESP Exome Variant Server 0.00008.
gnomAD v4.1: 23 of 1,519,918 alleles (0.0015%); highest among the groups gnomAD compares: African/African-American, 0.0097%; no homozygotes.

Submissions (2):

CeGaT Center for Human Genetics Tuebingen
Classification: Likely benign. Last evaluated: 2026-02-01. Review status: criteria provided, single submitter. Criteria: CeGaT Center For Human Genetics Tuebingen Variant Classification Criteria Version 2. Collection method: clinical testing. Allele origin: germline. Affected: yes. Observed: 1 variant allele.
Comment: KCNT1: BP4

Labcorp Genetics (formerly Invitae), Labcorp
Classification: Uncertain significance for Autosomal dominant nocturnal frontal lobe epilepsy 5; Developmental and epileptic encephalopathy, 14. Last evaluated: 2026-01-21. Review status: criteria provided, single submitter. Criteria: Invitae Variant Classification Sherloc (09022015). Collection method: clinical testing. Allele origin: germline.
Comment: This sequence change replaces aspartic acid, which is acidic and polar, with asparagine, which is neutral and polar, at codon 741 of the KCNT1 protein (p.Asp741Asn). The frequency data for this variant in the population databases is considered unreliable, as metrics indicate poor data quality at this position in the gnomAD database. This variant has not been reported in the literature in individuals affected with KCNT1-related conditions. ClinVar contains an entry for this variant (Variation ID: 540565). Invitae Evidence Modeling of protein sequence and biophysical properties (such as structural, functional, and spatial information, amino acid conservation, physicochemical variation, residue mobility, and thermodynamic stability) indicates that this missense variant is not expected to disrupt KCNT1 protein function with a negative predictive value of 80%. In summary, the available evidence is currently insufficient to determine the role of this variant in disease. Therefore, it has been classified as a Variant of Uncertain Significance.